The following is an entry in ClinVar:

ClinVar aggregate classification (germline): Uncertain significance (1 of 4 stars; one submission).

Conditions:
Hereditary cancer-predisposing syndrome. Also called: Hereditary Cancer Syndrome; Neoplastic Syndromes, Hereditary; Tumor predisposition; Hereditary neoplastic syndrome. Identifiers: Orphanet 140162, MedGen C0027672, MeSH D009386, MONDO:0015356.

Submission:

Ambry Genetics
Classification: Uncertain significance for Hereditary cancer-predisposing syndrome. Last evaluated: 2024-05-24. Review status: criteria provided, single submitter. Criteria: Ambry Variant Classification Scheme 2023. Collection method: clinical testing. Allele origin: germline.
Comment: The p.P276A variant (also known as c.826C>G), located in coding exon 7 of the MRE11A gene, results from a C to G substitution at nucleotide position 826. The proline at codon 276 is replaced by alanine, an amino acid with highly similar properties. This variant was not reported in population based cohorts in the following databases: Database of Single Nucleotide Polymorphisms (dbSNP), NHLBI Exome Sequencing Project (ESP), and 1000 Genomes Project. In the ESP, this variant was not observed in 6498 samples (12996 alleles) with coverage at this position. To date, this alteration has been detected with an allele frequency of approximately 0.001% (greater than 120000 alleles tested) in our clinical cohort. This amino acid position is highly conserved in available vertebrate species. In addition, the in silico prediction for this alteration is inconclusive. Since supporting evidence is limited at this time, the clinical significance of this alteration remains unclear.

NM_005591.4(MRE11):c.826C>G (p.Pro276Ala)

Gene: MRE11 (MRE11 double strand break repair nuclease; minus strand). Cytogenetic location: 11q21.
Variant type: single nucleotide variant.
Coding change: c.826C>G on transcript NM_005591.4 (MANE Select); coding-DNA position 826, C replaced by G.
Protein change: p.Pro276Ala; replaces proline 276 with alanine.
Molecular consequence: missense variant.
Genome position (GRCh38, 1-based): chr11:94,471,593, G>C on the plus strand (C>G on the coding strand, the complement: MRE11 is on the minus strand). VCF-style: chr11-94471593-G-C. GRCh37 (hg19) VCF-style: chr11-94204759-G-C.
Other names: c.826C>G, p.Pro276Ala (NM_001330347.2, NM_005590.4); short protein forms P276A.
Identifiers: ClinVar variation 479738 (VCV000479738.6), dbSNP rs587782742, ClinGen allele CA382375496.
Genomic context (GRCh38, chr11:94,471,593, plus strand): 5'-AAAGATTTCTTAAAAATTGGCTCAAAATATATAACACTCACTTCTTTACAGCTTCTCCTG[G>C]GGAAAGAGAAGTAACCACTGAGCTTCCAGGTTGTGAGATATAAAACAGCTGTTGTTCATT-3'
Protein context (NP_005582.1, residues 266-286): PGSSVVTSLS[Pro276Ala]GEAVKKHVGL